The following is an entry in ClinVar:

NM_005660.3(SLC35A2):c.634_635del (p.Ser212fs)

Gene: SLC35A2 (solute carrier family 35 member A2; minus strand). Cytogenetic location: Xp11.23.
Variant type: Microsatellite.
Coding change: c.634_635del on transcript NM_005660.3 (MANE Select); coding-DNA positions 634 to 635, 2 bases deleted (TC; older notation c.634_635delTC).
Protein change: p.Ser212fs; shifts the reading frame from serine 212.
Molecular consequence: frameshift variant. On other transcripts: intron variant (3).
Genome position (GRCh38, 1-based): chrX:48,905,274-48,905,275, GA deleted on the plus strand (TC on the coding strand, the reverse complement: SLC35A2 is on the minus strand); deleting any 2 consecutive bases within chrX:48,905,274-48,905,279 gives the same sequence; the c. name uses the placement nearest the transcript's 3' end. VCF-style (leftmost placement, unchanged base first): chrX-48905273-GGA-G. GRCh37 (hg19) VCF-style: chrX-48762550-GGA-G.
Other names: c.634_635del, p.Ser212fs (NM_001042498.3); c.451_452del, p.Ser151fs (NM_001282649.2); c.673_674del, p.Ser225fs (NM_001282650.2); c.718_719del, p.Ser240fs (NM_001282651.2); c.427-387TC[2] (NM_001282647.2, NM_001032289.3); c.355-387TC[2] (NM_001282648.2); c.634_635delTC (NM_005660.3); short protein forms S240fs, S151fs, S212fs, S225fs.
Identifiers: ClinVar variation 635117 (VCV000635117.8), dbSNP rs1602338615, ClinGen allele CA913190356.

ClinVar aggregate classification (germline): Pathogenic. Review status: criteria provided, multiple submitters, no conflicts (2 of 4 stars). 4 submissions from 4 submitters: Pathogenic (3). 1 of the submissions does not count toward it. Last evaluated 2024-02-23.

Conditions:
non-lesional focal epilepsy.
SLC35A2-congenital disorder of glycosylation. Also called: CONGENITAL DISORDER OF GLYCOSYLATION, TYPE IIm, SOMATIC MOSAIC; CONGENITAL DISORDER OF GLYCOSYLATION, TYPE IIm; CDG IIm; DEVELOPMENTAL AND EPILEPTIC ENCEPHALOPATHY 22; SLC35A2-CDG; EPILEPTIC ENCEPHALOPATHY, EARLY INFANTILE, 22. Identifiers: Orphanet 356961, MedGen C3806688, MONDO:0010478, OMIM 300896.

Submissions (4):

Labcorp Genetics (formerly Invitae), Labcorp
Classification: Pathogenic for SLC35A2-congenital disorder of glycosylation. Last evaluated: 2024-02-23. Review status: criteria provided, single submitter. Criteria: Invitae Variant Classification Sherloc (09022015). Collection method: clinical testing. Allele origin: germline.
Comment: This sequence change creates a premature translational stop signal (p.Ser212Leufs*9) in the SLC35A2 gene. While this is not anticipated to result in nonsense mediated decay, it is expected to disrupt the last 182 amino acid(s) of the SLC35A2 protein. This variant is not present in population databases (gnomAD no frequency). This premature translational stop signal has been observed in individual(s) with SLC35A2-related conditions (PMID: 29679388, 31444548). This variant disrupts a region of the SLC35A2 protein in which other variant(s) (p.Phe324Leufs*25) have been determined to be pathogenic (PMID: 24115232). This suggests that this is a clinically significant region of the protein, and that variants that disrupt it are likely to be disease-causing. For these reasons, this variant has been classified as Pathogenic.

Institute of Human Genetics, University of Leipzig Medical Center
Classification: Pathogenic for SLC35A2-congenital disorder of glycosylation. Last evaluated: 2023-07-25. Review status: criteria provided, single submitter. Criteria: ACMG Guidelines, 2015. Collection method: clinical testing. Allele origin: de novo. Inheritance: X-linked dominant inheritance. Affected: yes.
Comment: Criteria applied: PVS1,PS2_MOD,PS4_MOD,PM2_SUP

Institute for Genomic Medicine, Nationwide Children's Hospital
Classification: Pathogenic for SLC35A2-congenital disorder of glycosylation. Last evaluated: 2019-06-21. Review status: criteria provided, single submitter. Criteria: ACMG Guidelines, 2015. Collection method: research. Allele origin: somatic. Inheritance: Somatic mutation. Affected: yes. Observed: 1 hemizygote.
Comment: The variant is predicted to be a frameshift alteration in the transmembrane domain creating a premature stop codon nine amino acids downstream (p.Ser212LeufsTer9). The variant has not been reported in the genome aggregation database (gnomAD) database of 125,748 individuals from the general population. We found one report in the literature describing this somatic variant in a patient with intractable epilepsy and focal cortical dysplasia type Ia (Winawer et al., 2018).

Yale Center for Mendelian Genomics, Yale University
Classification: Likely pathogenic for non-lesional focal epilepsy. Last evaluated: 2018-05-16. Review status: no assertion criteria provided. Collection method: literature only. Allele origin: somatic. Affected: yes. Observed: 1 heterozygote. Study: Yale Center for Mendelian Genomics. Not counted in ClinVar's aggregate classification.

Literature cited by the submitters: PubMed 29679388 (cited by Labcorp Genetics (formerly Invitae), Labcorp and Yale Center for Mendelian Genomics, Yale University); PubMed 31444548 (cited by Labcorp Genetics (formerly Invitae), Labcorp); PubMed 24115232 (cited by Labcorp Genetics (formerly Invitae), Labcorp).